The following is an entry in ClinVar:

ClinVar aggregate classification (germline): Uncertain significance. Review status: criteria provided, multiple submitters, no conflicts (2 of 4 stars). 2 submissions from 2 submitters: Uncertain significance (2). Last evaluated 2026-06-18.

Conditions:
Propionic acidemia (PROP). Also called: GLYCINEMIA, KETOTIC; HYPERGLYCINEMIA WITH KETOACIDOSIS AND LEUKOPENIA; KETOTIC HYPERGLYCINEMIA. Identifiers: Orphanet 35, MedGen C0268579, MONDO:0011628, OMIM 606054, HP:0003571.

Allele frequency attached by ClinVar (database versions not stated): TOPMed 0.00003; gnomAD 0.00004 and 0.00005; ExAC 0.00003; gnomAD exomes 0.00001 and 0.00004; 1000 Genomes Project 30x 0.00047; 1000 Genomes Project 0.00040.

Submissions (2):

Women's Health and Genetics/Laboratory Corporation of America, LabCorp
Classification: Uncertain significance. Last evaluated: 2026-06-18. Review status: criteria provided, single submitter. Criteria: LabCorp Variant Classification Summary - May 2015. Collection method: clinical testing. Allele origin: germline.
Comment: Variant summary: PCCA c.1763C>T (p.Ser588Leu) results in a non-conservative amino acid change in the encoded protein sequence. Algorithms developed to predict the effect of missense changes on protein structure and function are either unavailable or do not agree on the potential impact of this missense change. The variant allele was found at a frequency of 3.6e-05 in 251268 control chromosomes. The available data on variant occurrences in the general population are insufficient to allow any conclusion about variant significance. To our knowledge, no occurrence of c.1763C>T in individuals affected with PCCA-related conditions and no experimental evidence demonstrating its impact on protein function have been reported. ClinVar contains an entry for this variant (Variation ID: 1430430). Based on the evidence outlined above, the variant was classified as uncertain significance.

Labcorp Genetics (formerly Invitae), Labcorp
Classification: Uncertain significance for Propionic acidemia. Last evaluated: 2024-01-17. Review status: criteria provided, single submitter. Criteria: Invitae Variant Classification Sherloc (09022015). Collection method: clinical testing. Allele origin: germline.
Comment: This sequence change replaces serine, which is neutral and polar, with leucine, which is neutral and non-polar, at codon 588 of the PCCA protein (p.Ser588Leu). This variant is present in population databases (rs532947142, gnomAD 0.01%). This variant has not been reported in the literature in individuals affected with PCCA-related conditions. ClinVar contains an entry for this variant (Variation ID: 1430430). Algorithms developed to predict the effect of missense changes on protein structure and function output the following: SIFT: "Not Available"; PolyPhen-2: "Benign"; Align-GVGD: "Not Available". The leucine amino acid residue is found in multiple mammalian species, which suggests that this missense change does not adversely affect protein function. In summary, the available evidence is currently insufficient to determine the role of this variant in disease. Therefore, it has been classified as a Variant of Uncertain Significance.

NM_000282.4(PCCA):c.1763C>T (p.Ser588Leu)

Gene: PCCA (propionyl-CoA carboxylase subunit alpha; plus strand). Cytogenetic location: 13q32.3.
Variant type: single nucleotide variant.
Coding change: c.1763C>T on transcript NM_000282.4 (MANE Select); coding-DNA position 1763, C replaced by T.
Protein change: p.Ser588Leu; replaces serine 588 with leucine.
Molecular consequence: missense variant. On other transcripts: non-coding transcript variant (5).
Genome position (GRCh38, 1-based): chr13:100,425,649, C>T. VCF-style: chr13-100425649-C-T. GRCh37 (hg19) VCF-style: chr13-101077903-C-T.
Other names: c.1685C>T, p.Ser562Leu (NM_001127692.3, NM_001352607.2); c.1763C>T, p.Ser588Leu (NM_001178004.2, NM_001352605.2, NM_001352609.2); c.1619C>T, p.Ser540Leu (NM_001352606.2); c.1541C>T, p.Ser514Leu (NM_001352608.2); c.818C>T, p.Ser273Leu (NM_001352610.2, NM_001352611.2); c.674C>T, p.Ser225Leu (NM_001352612.2); short protein forms S273L, S562L, S540L, S225L, S514L, S588L.
Identifiers: ClinVar variation 1430430 (VCV001430430.5), dbSNP rs532947142, ClinGen allele CA7033782.